The following is an entry in ClinVar:

NM_001040108.2(MLH3):c.389T>A (p.Leu130Gln)

Gene: MLH3 (mutL homolog 3; minus strand). Cytogenetic location: 14q24.3.
Variant type: single nucleotide variant.
Coding change: c.389T>A on transcript NM_001040108.2 (MANE Select); coding-DNA position 389, T replaced by A.
Protein change: p.Leu130Gln; replaces leucine 130 with glutamine.
Molecular consequence: missense variant.
Genome position (GRCh38, 1-based): chr14:75,049,267, A>T on the plus strand (T>A on the coding strand, the complement: MLH3 is on the minus strand). VCF-style: chr14-75049267-A-T. GRCh37 (hg19) VCF-style: chr14-75515970-A-T.
Other names: c.389T>A, p.Leu130Gln (NM_014381.3); short protein forms L130Q.
Identifiers: ClinVar variation 4860194 (VCV004860194.1).

ClinVar aggregate classification (germline): Uncertain significance (1 of 4 stars; one submission).

Submission:

Ambry Genetics
Classification: Uncertain significance. Last evaluated: 2026-05-03. Review status: criteria provided, single submitter. Criteria: Ambry Variant Classification Scheme 2023. Collection method: clinical testing. Allele origin: germline.
Comment: The p.L130Q variant (also known as c.389T>A), located in coding exon 1 of the MLH3 gene, results from a T to A substitution at nucleotide position 389. The leucine at codon 130 is replaced by glutamine, an amino acid with dissimilar properties. This amino acid position is conserved. In addition, the in silico prediction for this alteration is inconclusive. Based on the available evidence, the clinical significance of this variant remains unclear.